The following is an entry in ClinVar:

ClinVar aggregate classification (germline): Pathogenic/Likely pathogenic. Review status: criteria provided, multiple submitters, no conflicts (2 of 4 stars). 2 submissions from 2 submitters: Pathogenic (1); Likely pathogenic (1). Last evaluated 2026-03-13.

Conditions:
Polycystic kidney disease, adult type (PKD1). Also called: Polycystic Kidney Disease 1, Autosomal Dominant; Polycystic kidney disease 1; Polycystic kidney disease 1, severe; POLYCYSTIC KIDNEY DISEASE, ADULT, TYPE I; Polycystic Kidney, Autosomal Dominant; POLYCYSTIC KIDNEY DISEASE 1 WITH OR WITHOUT POLYCYSTIC LIVER DISEASE. Identifiers: MedGen C3149841, MONDO:0008263, OMIM 173900.

Submissions (2):

GeneDx
Classification: Pathogenic. Last evaluated: 2026-03-13. Review status: criteria provided, single submitter. Criteria: GeneDx Variant Classification Process June 2021. Collection method: clinical testing. Allele origin: germline.
Comment: Frameshift variant predicted to result in protein truncation or nonsense mediated decay in a gene for which loss of function is a known mechanism of disease; Not observed at significant frequency in large population cohorts (gnomAD); Has not been previously published as pathogenic or benign to our knowledge

Institute of Human Genetics, Cologne University
Classification: Likely pathogenic for Polycystic kidney disease, adult type. Last evaluated: 2024-06-21. Review status: criteria provided, single submitter. Criteria: ACMG Guidelines, 2015. Collection method: clinical testing. Allele origin: germline. Affected: yes.

NM_001009944.3(PKD1):c.2262dup (p.Pro755fs)

Gene: PKD1 (polycystin 1, transient receptor potential channel interacting; minus strand). Cytogenetic location: 16p13.3.
Variant type: Duplication.
Coding change: c.2262dup on transcript NM_001009944.3 (MANE Select); coding-DNA position 2262, one base duplicated (G; older notation c.2262dupG).
Protein change: p.Pro755fs; shifts the reading frame from proline 755.
Molecular consequence: frameshift variant.
Genome position (GRCh38, 1-based): chr16:2,114,761, C duplicated on the plus strand (G on the coding strand, the reverse complement: PKD1 is on the minus strand). VCF-style (leftmost placement, unchanged base first): chr16-2114760-G-GC. GRCh37 (hg19) VCF-style: chr16-2164761-G-GC.
Other names: c.2262dup, p.Pro755fs (NM_000296.4); short protein forms P755fs.
Identifiers: ClinVar variation 3252036 (VCV003252036.2), dbSNP rs2544855475.
Genomic context (GRCh38, chr16:2,114,760, plus strand): 5'-TGGCTGCAAGCAGCCGCAGGGCACAGGCAGGGCAGGCCCAAGTGCCCTCCAGCTGGGCTG[G>GC]CAAGTGGGGCAGCCATGACGAGGCGTTGGCGGAGAGGTACGGGGCCCGGGGACCAGGGTG-3'